The following is an entry in ClinVar:

NM_152443.3(RDH12):c.548T>A (p.Ile183Asn)

Genes: RDH12 (retinol dehydrogenase 12; plus strand), GPHN (gephyrin; plus strand). Cytogenetic location: 14q24.1.
Variant type: single nucleotide variant.
Coding change: c.548T>A on transcript NM_152443.3 (MANE Select); coding-DNA position 548, T replaced by A.
Protein change: p.Ile183Asn; replaces isoleucine 183 with asparagine.
Molecular consequence: missense variant.
Genome position (GRCh38, 1-based): chr14:67,727,080, T>A. VCF-style: chr14-67727080-T-A. GRCh37 (hg19) VCF-style: chr14-68193797-T-A.
Other names: short protein forms I183N.
Identifiers: ClinVar variation 3710255 (VCV003710255.2).

ClinVar aggregate classification (germline): Uncertain significance (1 of 4 stars; one submission).

Conditions:
Leber congenital amaurosis 13 (LCA13). Identifiers: MedGen C2675186, MONDO:0012990, OMIM 612712.

Submission:

Labcorp Genetics (formerly Invitae), Labcorp
Classification: Uncertain significance for Leber congenital amaurosis 13. Last evaluated: 2024-05-18. Review status: criteria provided, single submitter. Criteria: Invitae Variant Classification Sherloc (09022015). Collection method: clinical testing. Allele origin: germline.
Comment: This sequence change replaces isoleucine, which is neutral and non-polar, with asparagine, which is neutral and polar, at codon 183 of the RDH12 protein (p.Ile183Asn). This variant is not present in population databases (gnomAD no frequency). This variant has not been reported in the literature in individuals affected with RDH12-related conditions. Advanced modeling of protein sequence and biophysical properties (such as structural, functional, and spatial information, amino acid conservation, physicochemical variation, residue mobility, and thermodynamic stability) performed at Invitae indicates that this missense variant is expected to disrupt RDH12 protein function with a positive predictive value of 80%. In summary, the available evidence is currently insufficient to determine the role of this variant in disease. Therefore, it has been classified as a Variant of Uncertain Significance.